The following is an entry in ClinVar:

ClinVar aggregate classification (germline): Uncertain significance (1 of 4 stars; one submission).

Submission:

Labcorp Genetics (formerly Invitae), Labcorp
Classification: Uncertain significance. Last evaluated: 2024-06-23. Review status: criteria provided, single submitter. Criteria: Invitae Variant Classification Sherloc (09022015). Collection method: clinical testing. Allele origin: germline.
Comment: This variant, c.7449_7451dup, results in the insertion of 1 amino acid(s) of the KMT2A protein (p.Asn2484dup), but otherwise preserves the integrity of the reading frame. This variant is present in population databases (no rsID available, gnomAD 0.003%). This variant has not been reported in the literature in individuals affected with KMT2A-related conditions. In summary, the available evidence is currently insufficient to determine the role of this variant in disease. Therefore, it has been classified as a Variant of Uncertain Significance.

NM_001197104.2(KMT2A):c.7449_7451dup (p.Asn2484_Val2485insAsn)

Gene: KMT2A (lysine methyltransferase 2A; plus strand). Cytogenetic location: 11q23.3.
Variant type: Duplication.
Coding change: c.7449_7451dup on transcript NM_001197104.2 (MANE Select); coding-DNA positions 7449 to 7451, 3 bases duplicated (CAA; older notation c.7449_7451dupCAA).
Protein change: p.Asn2484_Val2485insAsn.
Genome position (GRCh38, 1-based): chr11:118,503,341-118,503,343, CAA duplicated; duplicating any 3 consecutive bases within chr11:118,503,339-118,503,343 gives the same sequence; the c. name uses the placement nearest the transcript's 3' end. VCF-style (leftmost placement, unchanged base first): chr11-118503338-T-TAAC. GRCh37 (hg19) VCF-style: chr11-118374053-T-TAAC.
Other names: c.7539_7541dup, p.Asn2514_Val2515insAsn (NM_001412597.1); c.7440_7442dup, p.Asn2481_Val2482insAsn (NM_005933.4).
Identifiers: ClinVar variation 3687274 (VCV003687274.2).